The following is an entry in ClinVar:

NM_024408.4(NOTCH2):c.6424_6427del (p.Ser2142fs)

Gene: NOTCH2 (notch receptor 2; minus strand). Cytogenetic location: 1p12.
Variant type: Deletion.
Coding change: c.6424_6427del on transcript NM_024408.4 (MANE Select); coding-DNA positions 6424 to 6427, 4 bases deleted (TCTG; older notation c.6424_6427delTCTG).
Protein change: p.Ser2142fs; shifts the reading frame from serine 2142.
Molecular consequence: frameshift variant.
Genome position (GRCh38, 1-based): chr1:119,916,295-119,916,298, CAGA deleted on the plus strand (TCTG on the coding strand, the reverse complement: NOTCH2 is on the minus strand); deleting any 4 consecutive bases within chr1:119,916,295-119,916,301 gives the same sequence; the c. name uses the placement nearest the transcript's 3' end. VCF-style (leftmost placement, unchanged base first): chr1-119916294-TCAGA-T. GRCh37 (hg19) VCF-style: chr1-120458917-TCAGA-T.
Other names: c.6424_6427delTCTG (NM_024408.3); c.6424_6427del (NM_024408.3); short protein forms S2142fs.
Identifiers: ClinVar variation 418907 (VCV000418907.4), dbSNP rs1064793515, ClinGen allele CA16616960.

ClinVar aggregate classification (germline): Conflicting classifications of pathogenicity. Review status: criteria provided, conflicting classifications (1 of 4 stars). 2 submissions from 2 submitters: Pathogenic (1); Uncertain significance (1). Last evaluated 2023-04-19.

Conditions:
Hajdu-Cheney syndrome (HJCYS). Also called: ACROOSTEOLYSIS WITH OSTEOPOROSIS AND CHANGES IN SKULL AND MANDIBLE; SERPENTINE FIBULA-POLYCYSTIC KIDNEY SYNDROME; Acroosteolysis dominant type. Identifiers: Orphanet 955, MedGen C0917715, MONDO:0007057, OMIM 102500.

Submissions (2):

GeneDx
Classification: Pathogenic. Last evaluated: 2023-04-19. Review status: criteria provided, single submitter. Criteria: GeneDx Variant Classification Process June 2021. Collection method: clinical testing. Allele origin: germline. Affected: yes.
Comment: Frameshift variant predicted to result in protein truncation, as the last 330 amino acids are replaced with 3 different amino acids, and other loss-of-function variants have been reported downstream in HGMD; Not observed at significant frequency in large population cohorts (gnomAD); This variant is associated with the following publications: (PMID: 33520214, 36232677, 30329210, 21378985)

Juno Genomics, Hangzhou Juno Genomics, Inc
Classification: Uncertain significance for Hajdu-Cheney syndrome. Review status: criteria provided, single submitter. Criteria: ACMG Guidelines, 2015. Collection method: clinical testing. Allele origin: germline. Affected: yes.
Comment: Absent from controls (or at extremely low frequency if recessive) in Genome Aggregation Database, Exome Sequencing Project, 1000 Genomes Project, or Exome Aggregation Consortium.;The prevalence of the variant in affected individuals is significantly increased compared to the prevalence in controls.;Assumed de novo, but without confirmation of paternity and maternity.;Patient's phenotype or family history is highly specific for a disease with a single genetic etiology.